The following is an entry in ClinVar:

ClinVar aggregate classification (germline): Likely pathogenic (1 of 4 stars; one submission).

Conditions:
Primary dilated cardiomyopathy (DCM). Also called: Dilated Cardiomyopathy. Identifiers: Orphanet 217604, MedGen C0007193, MeSH D002311, MONDO:0005021, HP:0001644. Inheritance: Various modes of inheritance.

Submission:

Lildballe Lab, Aarhus University Hospital
Classification: Likely pathogenic for dilated cardiomyopathy. Last evaluated: 2024-03-01. Review status: criteria provided, single submitter. Criteria: ACMG Guidelines, 2015. Collection method: research. Allele origin: germline. Affected: yes.
Comment: PVS1(vs), PM2(sup)

Literature cited by the submitters: PubMed 25741919; PubMed 39481677.

NM_001267550.2(TTN):c.48836del (p.Pro16279fs)

Genes: TTN (titin; minus strand), TTN-AS1 (TTN antisense RNA 1; plus strand), LOC126806426 (BRD4-independent group 4 enhancer GRCh37_chr2:179478848-179480047; plus strand). Cytogenetic location: 2q31.2.
Variant type: Deletion.
Coding change: c.48836del on transcript NM_001267550.2 (MANE Select); coding-DNA position 48836, one base deleted (C; older notation c.48836delC).
Protein change: p.Pro16279fs; shifts the reading frame from proline 16279.
Molecular consequence: frameshift variant. On other transcripts: non-coding transcript variant (1).
Genome position (GRCh38, 1-based): chr2:178,614,678, G deleted on the plus strand (C on the coding strand, the reverse complement: TTN is on the minus strand); the first of 2 consecutive G bases (chr2:178,614,678-178,614,679); deleting either gives the same sequence. VCF-style (leftmost placement, unchanged base first): chr2-178614677-AG-A. GRCh37 (hg19) VCF-style: chr2-179479404-AG-A.
Other names: c.43913del, p.Pro14638fs (NM_001256850.1); c.21641del, p.Pro7214fs (NM_003319.4); c.41132del, p.Pro13711fs (NM_133378.4); c.22016del, p.Pro7339fs (NM_133432.3); c.22217del, p.Pro7406fs (NM_133437.4); c.21641delC (NM_003319.4); short protein forms P13711fs, P14638fs, P16279fs, P7214fs, P7339fs, P7406fs.
Identifiers: ClinVar variation 3338343 (VCV003338343.1).